The following is an entry in ClinVar:

NM_001370259.2(MEN1):c.670A>T (p.Lys224Ter)

Gene: MEN1 (menin 1; minus strand). Cytogenetic location: 11q13.1.
Variant type: single nucleotide variant.
Coding change: c.670A>T on transcript NM_001370259.2 (MANE Select); coding-DNA position 670, A replaced by T.
Protein change: p.Lys224Ter; replaces lysine 224 with a stop codon.
Molecular consequence: nonsense.
Genome position (GRCh38, 1-based): chr11:64,807,665, T>A on the plus strand (A>T on the coding strand, the complement: MEN1 is on the minus strand). VCF-style: chr11-64807665-T-A. GRCh37 (hg19) VCF-style: chr11-64575137-T-A.
Other names: c.670A>T (NM_130799.2); c.685A>T, p.Lys229Ter (NM_000244.4, NM_130800.3, NM_130801.3 and 3 more transcripts); c.670A>T, p.Lys224Ter (NM_001370251.2, NM_001370260.2, NM_001370261.2 and 1 more transcripts); c.565A>T, p.Lys189Ter (NM_001370262.2, NM_001370263.2); short protein forms K189*, K224*, K229*.
Identifiers: ClinVar variation 988405 (VCV000988405.4), dbSNP rs1941829518, ClinGen allele CA381185200.

ClinVar aggregate classification (germline): Pathogenic/Likely pathogenic. Review status: criteria provided, multiple submitters, no conflicts (2 of 4 stars). 3 submissions from 3 submitters: Pathogenic (1); Likely pathogenic (2). Last evaluated 2025-07-29.

Submissions (3):

Quest Diagnostics Nichols Institute San Juan Capistrano
Classification: Pathogenic. Last evaluated: 2025-07-29. Review status: criteria provided, single submitter. Criteria: Quest Diagnostics criteria. Collection method: clinical testing. Allele origin: unknown.
Comment: The MEN1 c.670A>T (p.Lys224*) variant causes the premature termination of MEN1 protein synthesis. This variant has been reported in the published literature in an individual with multiple endocrine neoplasia type 1 (MEN1) syndrome (PMID: 17623761 (2007)). This variant has not been reported in large, multi-ethnic general populations (Genome Aggregation Database). Analysis of this variant using bioinformatics tools for the prediction of the effect of amino acid changes on protein structure and function yielded conflicting predictions that this variant is benign or damaging. Based on the available information, this variant is classified as pathogenic.

Clinical Genetics Laboratory, Skane University Hospital Lund
Classification: Likely pathogenic. Last evaluated: 2022-05-27. Review status: criteria provided, single submitter. Criteria: ACMG Guidelines, 2015. Collection method: clinical testing. Allele origin: germline. Affected: yes.

Clinical Genetics and Genomics, Karolinska University Hospital
Classification: Likely pathogenic. Last evaluated: 2019-12-11. Review status: criteria provided, single submitter. Criteria: ACMG Guidelines, 2015. Collection method: clinical testing. Allele origin: germline. Affected: yes. Observed: 1 variant allele.